The following is an entry in ClinVar:

NM_005732.4(RAD50):c.2231A>C (p.Glu744Ala)

Gene: RAD50 (RAD50 double strand break repair protein; plus strand). Cytogenetic location: 5q31.1.
Variant type: single nucleotide variant.
Coding change: c.2231A>C on transcript NM_005732.4 (MANE Select); coding-DNA position 2231, A replaced by C.
Protein change: p.Glu744Ala; replaces glutamic acid 744 with alanine.
Molecular consequence: missense variant.
Genome position (GRCh38, 1-based): chr5:132,603,323, A>C. VCF-style: chr5-132603323-A-C. GRCh37 (hg19) VCF-style: chr5-131939015-A-C.
Other names: short protein forms E744A.
Identifiers: ClinVar variation 4824498 (VCV004824498.1).

ClinVar aggregate classification (germline): Uncertain significance (1 of 4 stars; one submission).

Conditions:
Hereditary cancer-predisposing syndrome. Also called: Neoplastic Syndromes, Hereditary; Hereditary neoplastic syndrome; Tumor predisposition; Hereditary Cancer Syndrome. Identifiers: Orphanet 140162, MedGen C0027672, MeSH D009386, MONDO:0015356.

Submission:

Ambry Genetics
Classification: Uncertain significance for Hereditary cancer-predisposing syndrome. Last evaluated: 2026-02-15. Review status: criteria provided, single submitter. Criteria: Ambry Variant Classification Scheme 2023. Collection method: clinical testing. Allele origin: germline.
Comment: The p.E744A variant (also known as c.2231A>C), located in coding exon 14 of the RAD50 gene, results from an A to C substitution at nucleotide position 2231. The glutamic acid at codon 744 is replaced by alanine, an amino acid with dissimilar properties. This amino acid position is conserved. In addition, the in silico prediction for this alteration is inconclusive. Based on the available evidence, the clinical significance of this variant remains unclear.